The following is an entry in ClinVar:

ClinVar aggregate classification (germline): Benign (0 of 4 stars; one submission).

Conditions:
ARHGAP26-related disorder. Also called: ARHGAP26-related condition.

Allele frequency attached by ClinVar (database versions not stated): gnomAD exomes 0.11575; gnomAD 0.31643; TOPMed 0.34829; 1000 Genomes Project 0.39996; 1000 Genomes Project 30x 0.41240.
gnomAD v4.1: 175,560 of 1,231,858 alleles (14%); highest among the groups gnomAD compares: African/African-American, 78%; 28,865 homozygotes.

Submission:

PreventionGenetics, part of Exact Sciences
Classification: Benign for ARHGAP26-related condition. Last evaluated: 2019-05-10. Review status: no assertion criteria provided. Collection method: clinical testing. Allele origin: germline.
Comment: This variant is classified as benign based on ACMG/AMP sequence variant interpretation guidelines (Richards et al. 2015 PMID: 25741868, with internal and published modifications).

NM_001135608.3(ARHGAP26):c.154+462T>C

Gene: ARHGAP26 (Rho GTPase activating protein 26; plus strand). Cytogenetic location: 5q31.3.
Variant type: single nucleotide variant.
Coding change: c.154+462T>C on transcript NM_001135608.3 (MANE Select); 462 bases into the intron after coding-DNA position 154, T replaced by C.
Molecular consequence: intron variant. On other transcripts: splice donor variant (1).
Genome position (GRCh38, 1-based): chr5:142,771,377, T>C. VCF-style: chr5-142771377-T-C. GRCh37 (hg19) VCF-style: chr5-142150942-T-C.
Other names: c.154+462T>C (NM_015071.6); c.46+2T>C (NM_001349547.2).
Identifiers: ClinVar variation 3055505 (VCV003055505.2), dbSNP rs10042074, ClinGen allele CA12106970.